The following is an entry in ClinVar:

ClinVar aggregate classification (germline): Uncertain significance. Review status: criteria provided, multiple submitters, no conflicts (2 of 4 stars). 2 submissions from 2 submitters: Uncertain significance (2). Last evaluated 2025-11-14.

Allele frequency attached by ClinVar (database versions not stated): gnomAD exomes below 0.00001; TOPMed below 0.00001; gnomAD 0.00001.
gnomAD v4.1: 4 of 1,613,830 alleles (0.00025%); highest among the groups gnomAD compares: Non-Finnish European, 0.00034%; no homozygotes.

Submissions (2):

Women's Health and Genetics/Laboratory Corporation of America, LabCorp
Classification: Uncertain significance. Last evaluated: 2025-11-14. Review status: criteria provided, single submitter. Criteria: LabCorp Variant Classification Summary - May 2015. Collection method: clinical testing. Allele origin: germline.
Comment: Variant summary: GUSB c.266A>G (p.Asp89Gly) results in a non-conservative amino acid change in the encoded protein sequence. Algorithms developed to predict the effect of missense changes on protein structure and function are either unavailable or do not agree on the potential impact of this missense change. The variant was absent in 250122 control chromosomes. The available data on variant occurrences in the general population are insufficient to allow any conclusion about variant significance. c.266A>G has been observed together with a likely pathogenic variant in a compound heterozygous individual affected with Mucopolysaccharidosis Type VII (Sly Syndrome) who successfully underwent a bone marrow transplant (Montano_2016). These data do not allow any conclusion about variant significance. To our knowledge, no experimental evidence demonstrating an impact on protein function has been reported. The following publication has been ascertained in the context of this evaluation (PMID: 26908836). ClinVar contains an entry for this variant (Variation ID: 92589). Based on the evidence outlined above, the variant was classified as uncertain significance.

Eurofins Ntd Llc (ga)
Classification: Uncertain significance. Last evaluated: 2013-06-26. Review status: criteria provided, single submitter. Criteria: EGL Classification Definitions 2015. Collection method: clinical testing. Allele origin: germline. Observed: 1 variant allele, 1 heterozygote.

Literature cited by the submitters: PubMed 26908836 (cited by Women's Health and Genetics/Laboratory Corporation of America, LabCorp).

NM_000181.4(GUSB):c.266A>G (p.Asp89Gly)

Gene: GUSB (glucuronidase beta; minus strand). Cytogenetic location: 7q11.21.
Variant type: single nucleotide variant.
Coding change: c.266A>G on transcript NM_000181.4 (MANE Select); coding-DNA position 266, A replaced by G.
Protein change: p.Asp89Gly; replaces aspartic acid 89 with glycine.
Molecular consequence: missense variant. On other transcripts: 5 prime UTR variant (2), non-coding transcript variant (1).
Genome position (GRCh38, 1-based): chr7:65,980,354, T>C on the plus strand (A>G on the coding strand, the complement: GUSB is on the minus strand). VCF-style: chr7-65980354-T-C. GRCh37 (hg19) VCF-style: chr7-65445341-T-C.
Other names: c.266A>G, p.Asp89Gly (NM_001284290.2); c.-120A>G (NM_001293104.2); c.-64A>G (NM_001293105.2); short protein forms D89G.
Identifiers: ClinVar variation 92589 (VCV000092589.7), dbSNP rs398123236, ClinGen allele CA220462.
Genomic context (GRCh38, chr7:65,980,354, plus strand): 5'-TCCGGCAGGATCACCTCCCGTTCGTACCACACCCAGCCGACAAAATGCCGCAGACGCCAG[T>C]CCTGGCTGATGTCATTGAAGCTGGAGGGAACTGGCATGTCCACGGTGGGGCCTGACTGTG-3'
Protein context (NP_000172.2, residues 79-99): VPSSFNDISQ[Asp89Gly]WRLRHFVGWV